The following is an entry in ClinVar:

NM_001135254.2(PAX7):c.276G>A (p.Glu92=)

Gene: PAX7 (paired box 7; plus strand). Cytogenetic location: 1p36.13.
Variant type: single nucleotide variant.
Coding change: c.276G>A on transcript NM_001135254.2 (MANE Select); coding-DNA position 276, G replaced by A.
Protein change: p.Glu92=; no amino-acid change (glutamic acid 92 retained).
Molecular consequence: synonymous variant.
Genome position (GRCh38, 1-based): chr1:18,634,493, G>A. VCF-style: chr1-18634493-G-A. GRCh37 (hg19) VCF-style: chr1-18960987-G-A.
Other names: c.276G>A, p.Glu92= (NM_002584.3, NM_013945.3).
Identifiers: ClinVar variation 3036052 (VCV003036052.2), dbSNP rs776487181, ClinGen allele CA645591.

ClinVar aggregate classification (germline): Likely benign (0 of 4 stars; one submission).

Conditions:
PAX7-related disorder. Also called: PAX7-related condition.

Allele frequency attached by ClinVar (database versions not stated): ExAC 0.00003; gnomAD 0.00003.
gnomAD v4.1: 40 of 1,614,000 alleles (0.0025%); highest among the groups gnomAD compares: Non-Finnish European, 0.0032%; no homozygotes.

Submission:

PreventionGenetics, part of Exact Sciences
Classification: Likely benign for PAX7-related condition. Last evaluated: 2022-07-25. Review status: no assertion criteria provided. Collection method: clinical testing. Allele origin: germline.
Comment: This variant is classified as likely benign based on ACMG/AMP sequence variant interpretation guidelines (Richards et al. 2015 PMID: 25741868, with internal and published modifications).